The following is an entry in ClinVar:

ClinVar aggregate classification (germline): Uncertain significance. Review status: criteria provided, multiple submitters, no conflicts (2 of 4 stars). 3 submissions from 3 submitters: Uncertain significance (3). Last evaluated 2025-08-23.

Allele frequency attached by ClinVar (database versions not stated): gnomAD exomes 0.00002 and 0.00004; ExAC 0.00003; TOPMed 0.00003; gnomAD 0.00004.
gnomAD v4.1: 64 of 1,611,040 alleles (0.004%); highest among the groups gnomAD compares: Non-Finnish European, 0.0051%; no homozygotes.

Submissions (3):

Ambry Genetics
Classification: Uncertain significance. Last evaluated: 2025-08-23. Review status: criteria provided, single submitter. Criteria: Ambry Variant Classification Scheme 2023. Collection method: clinical testing. Allele origin: germline.

CeGaT Center for Human Genetics Tuebingen
Classification: Uncertain significance. Last evaluated: 2024-10-01. Review status: criteria provided, single submitter. Criteria: CeGaT Center For Human Genetics Tuebingen Variant Classification Criteria Version 2. Collection method: clinical testing. Allele origin: germline. Affected: yes. Observed: 1 variant allele.
Comment: SBF1: PM2, BP4

Labcorp Genetics (formerly Invitae), Labcorp
Classification: Uncertain significance. Last evaluated: 2022-09-01. Review status: criteria provided, single submitter. Criteria: Invitae Variant Classification Sherloc (09022015). Collection method: clinical testing. Allele origin: germline.
Comment: This sequence change replaces glutamine, which is neutral and polar, with arginine, which is basic and polar, at codon 1083 of the SBF1 protein (p.Gln1083Arg). This variant is present in population databases (rs759484260, gnomAD 0.005%). This variant has not been reported in the literature in individuals affected with SBF1-related conditions. ClinVar contains an entry for this variant (Variation ID: 1359102). Algorithms developed to predict the effect of missense changes on protein structure and function (SIFT, PolyPhen-2, Align-GVGD) all suggest that this variant is likely to be tolerated. In summary, the available evidence is currently insufficient to determine the role of this variant in disease. Therefore, it has been classified as a Variant of Uncertain Significance.

NM_002972.4(SBF1):c.3248A>G (p.Gln1083Arg)

Gene: SBF1 (SET binding factor 1; minus strand). Cytogenetic location: 22q13.33.
Variant type: single nucleotide variant.
Coding change: c.3248A>G on transcript NM_002972.4 (MANE Select); coding-DNA position 3248, A replaced by G.
Protein change: p.Gln1083Arg; replaces glutamine 1083 with arginine.
Molecular consequence: missense variant.
Genome position (GRCh38, 1-based): chr22:50,460,307, T>C on the plus strand (A>G on the coding strand, the complement: SBF1 is on the minus strand). VCF-style: chr22-50460307-T-C. GRCh37 (hg19) VCF-style: chr22-50898736-T-C.
Other names: c.3248A>G (NM_002972.2); c.3251A>G, p.Gln1084Arg (NM_001365819.1); short protein forms Q1083R, Q1084R.
Identifiers: ClinVar variation 1359102 (VCV001359102.18), dbSNP rs759484260, ClinGen allele CA10316808.